The following is an entry in ClinVar:

ClinVar aggregate classification (germline): Pathogenic (1 of 4 stars; one submission).

Conditions:
Hereditary spastic paraplegia 4. Also called: Spastic paraplegia 4, autosomal dominant; Familial spastic paraplegia autosomal dominant 2; Spastic Paraplegia 4. Identifiers: Orphanet 100985, MedGen C1866855, MONDO:0008438, OMIM 182601.

Allele frequency attached by ClinVar (database versions not stated): gnomAD exomes below 0.00001; TOPMed below 0.00001; gnomAD 0.00001.

Submission:

Labcorp Genetics (formerly Invitae), Labcorp
Classification: Pathogenic for Hereditary spastic paraplegia 4. Last evaluated: 2022-12-31. Review status: criteria provided, single submitter. Criteria: Invitae Variant Classification Sherloc (09022015). Collection method: clinical testing. Allele origin: germline.
Comment: ClinVar contains an entry for this variant (Variation ID: 468571). For these reasons, this variant has been classified as Pathogenic. This premature translational stop signal has been observed in individual(s) with hereditary spastic paraplegia (HSP) (PMID: 15841487). This variant is not present in population databases (gnomAD no frequency). This sequence change creates a premature translational stop signal (p.Gln141*) in the SPAST gene. It is expected to result in an absent or disrupted protein product. Loss-of-function variants in SPAST are known to be pathogenic (PMID: 20932283).

Literature cited by the submitters: PubMed 15841487; PubMed 20932283.

NM_014946.4(SPAST):c.421C>T (p.Gln141Ter)

Gene: SPAST (spastin; plus strand). Cytogenetic location: 2p22.3.
Variant type: single nucleotide variant.
Coding change: c.421C>T on transcript NM_014946.4 (MANE Select); coding-DNA position 421, C replaced by T.
Protein change: p.Gln141Ter; replaces glutamine 141 with a stop codon.
Molecular consequence: nonsense.
Genome position (GRCh38, 1-based): chr2:32,087,497, C>T. VCF-style: chr2-32087497-C-T. GRCh37 (hg19) VCF-style: chr2-32312566-C-T.
Other names: c.418C>T, p.Gln140Ter (NM_001363823.2, NM_001363875.2); c.421C>T, p.Gln141Ter (NM_001377959.1, NM_199436.2); short protein forms Q141*, Q140*.
Identifiers: ClinVar variation 468571 (VCV000468571.8), dbSNP rs1485703744, ClinGen allele CA346603062.